The following is an entry in ClinVar:

ClinVar aggregate classification (germline): Conflicting classifications of pathogenicity. Review status: criteria provided, conflicting classifications (1 of 4 stars). 2 submissions from 2 submitters: Uncertain significance (1); Likely benign (1). Last evaluated 2025-11-08.

gnomAD v4.1: 8 of 1,613,672 alleles (0.0005%); highest among the groups gnomAD compares: Non-Finnish European, 0.00042%; no homozygotes.

Submissions (2):

Labcorp Genetics (formerly Invitae), Labcorp
Classification: Uncertain significance. Last evaluated: 2025-11-08. Review status: criteria provided, single submitter. Criteria: Invitae Variant Classification Sherloc (09022015). Collection method: clinical testing. Allele origin: germline.
Comment: This sequence change affects codon 2 of the MKL1 mRNA. It is a 'silent' change, meaning that it does not change the encoded amino acid sequence of the MKL1 protein. It affects a nucleotide within the consensus splice site. This variant is present in population databases (no rsID available, gnomAD 0.002%). This variant has not been reported in the literature in individuals affected with MKL1-related conditions. ClinVar contains an entry for this variant (Variation ID: 3718261). Algorithms developed to predict the effect of sequence changes on RNA splicing suggest that this variant is not likely to affect RNA splicing. In summary, the available evidence is currently insufficient to determine the role of this variant in disease. Therefore, it has been classified as a Variant of Uncertain Significance.

Blueprint Genetics
Classification: Likely benign. Last evaluated: 2024-10-22. Review status: criteria provided, single submitter. Criteria: ACMG Guidelines, 2015. Collection method: clinical testing. Allele origin: germline.

NM_020831.6(MRTFA):c.306G>C (p.Pro102=)

Gene: MRTFA (myocardin related transcription factor A; minus strand). Cytogenetic location: 22q13.1.
Variant type: single nucleotide variant.
Coding change: c.306G>C on transcript NM_020831.6 (MANE Select); coding-DNA position 306, G replaced by C.
Protein change: p.Pro102=; no amino-acid change (proline 102 retained).
Molecular consequence: synonymous variant.
Genome position (GRCh38, 1-based): chr22:40,463,222, C>G on the plus strand (G>C on the coding strand, the complement: MRTFA is on the minus strand). VCF-style: chr22-40463222-C-G. GRCh37 (hg19) VCF-style: chr22-40859226-C-G.
Other names: c.6G>C, p.Pro2= (NM_001282660.2); c.306G>C, p.Pro102= (NM_001282661.3, NM_001282662.3); c.111G>C, p.Pro37= (NM_001318139.2).
Identifiers: ClinVar variation 3718261 (VCV003718261.3).